The following is an entry in ClinVar:

NM_001134407.3(GRIN2A):c.3622C>T (p.Arg1208Trp)

Gene: GRIN2A (glutamate ionotropic receptor NMDA type subunit 2A; minus strand). Cytogenetic location: 16p13.2.
Variant type: single nucleotide variant.
Coding change: c.3622C>T on transcript NM_001134407.3 (MANE Select); coding-DNA position 3622, C replaced by T.
Protein change: p.Arg1208Trp; replaces arginine 1208 with tryptophan.
Molecular consequence: missense variant.
Genome position (GRCh38, 1-based): chr16:9,763,922, G>A on the plus strand (C>T on the coding strand, the complement: GRIN2A is on the minus strand). VCF-style: chr16-9763922-G-A. GRCh37 (hg19) VCF-style: chr16-9857779-G-A.
Other names: c.3622C>T, p.Arg1208Trp (NM_000833.5, NM_001134408.2); c.3622C>T (NM_000833.3); short protein forms R1208W.
Identifiers: ClinVar variation 2428223 (VCV002428223.11), dbSNP rs78544202, ClinGen allele CA394707222.

ClinVar aggregate classification (germline): Uncertain significance. Review status: criteria provided, multiple submitters, no conflicts (2 of 4 stars). 3 submissions from 3 submitters: Uncertain significance (3). Last evaluated 2023-10-12.

Conditions:
Landau-Kleffner syndrome (FESD). Also called: EPILEPSY, FOCAL, WITH SPEECH DISORDER AND WITH OR WITHOUT MENTAL RETARDATION; APHASIA, ACQUIRED, WITH EPILEPSY. Identifiers: Orphanet 1945, Orphanet 725, Orphanet 98818, MedGen C0282512, MONDO:0009509, OMIM 245570.
Inborn genetic diseases. Identifiers: MedGen C0950123, MeSH D030342.

gnomAD v4.1: 16 of 1,613,942 alleles (0.00099%); highest among the groups gnomAD compares: Non-Finnish European, 0.0014%; no homozygotes.

Submissions (3):

Ambry Genetics
Classification: Uncertain significance for Inborn genetic diseases. Last evaluated: 2023-10-12. Review status: criteria provided, single submitter. Criteria: Ambry Variant Classification Scheme 2023. Collection method: clinical testing. Allele origin: germline.

Labcorp Genetics (formerly Invitae), Labcorp
Classification: Uncertain significance for Landau-Kleffner syndrome. Last evaluated: 2023-09-22. Review status: criteria provided, single submitter. Criteria: Invitae Variant Classification Sherloc (09022015). Collection method: clinical testing. Allele origin: germline.
Comment: This variant has not been reported in the literature in individuals affected with GRIN2A-related conditions. This sequence change replaces arginine, which is basic and polar, with tryptophan, which is neutral and slightly polar, at codon 1208 of the GRIN2A protein (p.Arg1208Trp). This variant is not present in population databases (gnomAD no frequency). ClinVar contains an entry for this variant (Variation ID: 2428223). Advanced modeling of protein sequence and biophysical properties (such as structural, functional, and spatial information, amino acid conservation, physicochemical variation, residue mobility, and thermodynamic stability) performed at Invitae indicates that this missense variant is not expected to disrupt GRIN2A protein function. In summary, the available evidence is currently insufficient to determine the role of this variant in disease. Therefore, it has been classified as a Variant of Uncertain Significance.

Blueprint Genetics
Classification: Uncertain significance. Last evaluated: 2020-07-07. Review status: criteria provided, single submitter. Criteria: ACMG Guidelines, 2015. Collection method: clinical testing. Allele origin: germline.